The following is an entry in ClinVar:

NM_001204.7(BMPR2):c.1384T>C (p.Phe462Leu)

Gene: BMPR2 (bone morphogenetic protein receptor type 2; plus strand). Cytogenetic location: 2q33.2.
Variant type: single nucleotide variant.
Coding change: c.1384T>C on transcript NM_001204.7 (MANE Select); coding-DNA position 1384, T replaced by C.
Protein change: p.Phe462Leu; replaces phenylalanine 462 with leucine.
Molecular consequence: missense variant.
Genome position (GRCh38, 1-based): chr2:202,542,418, T>C. VCF-style: chr2-202542418-T-C. GRCh37 (hg19) VCF-style: chr2-203407141-T-C.
Other names: short protein forms F462L.
Identifiers: ClinVar variation 5033106 (VCV005033106.1).

ClinVar aggregate classification (germline): Uncertain significance (1 of 4 stars; one submission).

Conditions:
Inborn genetic diseases. Identifiers: MedGen C0950123, MeSH D030342.

gnomAD v4.1: 1 of 1,614,064 alleles (0.000062%); highest among the groups gnomAD compares: Non-Finnish European, 0.000085%; no homozygotes.

Submission:

Ambry Genetics
Classification: Uncertain significance for Inborn genetic diseases. Last evaluated: 2026-07-31. Review status: criteria provided, single submitter. Criteria: Ambry Variant Classification Scheme 2023. Collection method: clinical testing. Allele origin: germline.
Comment: The p.F462L variant (also known as c.1384T>C), located in coding exon 10 of the BMPR2 gene, results from a T to C substitution at nucleotide position 1384. The phenylalanine at codon 462 is replaced by leucine, an amino acid with highly similar properties. This amino acid position is conserved. In addition, the in silico prediction for this alteration is inconclusive. Based on the available evidence, the clinical significance of this variant remains unclear.